The following is an entry in ClinVar:

NM_000214.3(JAG1):c.734dup (p.Cys245fs)

Gene: JAG1 (jagged canonical Notch ligand 1; minus strand). Cytogenetic location: 20p12.2.
Variant type: Duplication.
Coding change: c.734dup on transcript NM_000214.3 (MANE Select); coding-DNA position 734, one base duplicated (G; older notation c.734dupG).
Protein change: p.Cys245fs; shifts the reading frame from cysteine 245.
Molecular consequence: frameshift variant.
Genome position (GRCh38, 1-based): chr20:10,656,419, C duplicated on the plus strand (G on the coding strand, the reverse complement: JAG1 is on the minus strand). VCF-style (leftmost placement, unchanged base first): chr20-10656418-G-GC. GRCh37 (hg19) VCF-style: chr20-10637066-G-GC.
Other names: short protein forms C245fs.
Identifiers: ClinVar variation 1070550 (VCV001070550.7), dbSNP rs2122620277, ClinGen allele CA2499225676.

ClinVar aggregate classification (germline): Pathogenic (1 of 4 stars; one submission).

Conditions:
Alagille syndrome due to a JAG1 point mutation. Also called: HEPATIC DUCTULAR HYPOPLASIA, SYNDROMATIC; JAG1-Related Alagille Syndrome; Alagille Syndrome 1. Identifiers: Orphanet 261619, Orphanet 52, MedGen C1956125, MONDO:0016862, OMIM 118450.

Submission:

Labcorp Genetics (formerly Invitae), Labcorp
Classification: Pathogenic for Alagille syndrome due to a JAG1 point mutation. Last evaluated: 2020-06-01. Review status: criteria provided, single submitter. Criteria: Invitae Variant Classification Sherloc (09022015). Collection method: clinical testing. Allele origin: germline.
Comment: For these reasons, this variant has been classified as Pathogenic. This sequence change creates a premature translational stop signal (p.Cys245Trpfs*6) in the JAG1 gene. It is expected to result in an absent or disrupted protein product. This variant is not present in population databases (ExAC no frequency). This variant has not been reported in the literature in individuals with JAG1-related conditions. Loss-of-function variants in JAG1 are known to be pathogenic (PMID: 11180599).

Literature cited by the submitters: PubMed 11180599.